The following is an entry in ClinVar:

ClinVar aggregate classification (germline): Pathogenic (1 of 4 stars; one submission).

Conditions:
Mosaic variegated aneuploidy syndrome 1 (MVA1). Also called: Warburton-Anyane-Yeboa syndrome. Identifiers: Orphanet 1052, MedGen C1850343, MONDO:0009759, OMIM 257300.

Allele frequency attached by ClinVar (database versions not stated): gnomAD exomes below 0.00001 and 0.00001; ExAC 0.00001.

Submission:

3billion
Classification: Pathogenic for Mosaic variegated aneuploidy syndrome 1. Last evaluated: 2021-10-02. Review status: criteria provided, single submitter. Criteria: ACMG Guidelines, 2015. Collection method: clinical testing. Allele origin: paternal. Affected: yes. Observed: 1 heterozygote.
Comment: Frameshift: predicted to result in a loss or disruption of normal protein function through nonsense-mediated decay (NMD) or protein truncation. Multiple pathogenic variants are reported downstream of the variant (PVS1_VS). It is observed at an extremely low frequency in the gnomAD v2.1.1 dataset (total allele frequency: 0.000007954, PM2). Patient's phenotype is considered compatible with Mosaic Variegated Aneuploidy Syndrome 1 (3billion dataset, PP4). Therefore, this variant is classified as pathogenic according to the recommendation of ACMG/AMP guideline.

NM_001211.6(BUB1B):c.1045del (p.Arg349fs)

Gene: BUB1B (BUB1 mitotic checkpoint serine/threonine kinase B; plus strand). Cytogenetic location: 15q15.1.
Variant type: Deletion.
Coding change: c.1045del on transcript NM_001211.6 (MANE Select); coding-DNA position 1045, one base deleted (C; older notation c.1045delC).
Protein change: p.Arg349fs; shifts the reading frame from arginine 349.
Molecular consequence: frameshift variant.
Genome position (GRCh38, 1-based): chr15:40,185,629, C deleted. VCF-style (leftmost placement, unchanged base first): chr15-40185628-AC-A. GRCh37 (hg19) VCF-style: chr15-40477829-AC-A.
Other names: short protein forms R349fs.
Identifiers: ClinVar variation 1320272 (VCV001320272.1), dbSNP rs770262148, ClinGen allele CA7475637.
Genomic context (GRCh38, chr15:40,185,628, plus strand): 5'-TTCACTGATAGCTGTACCCGCTGTGCTTCCCAGTTTCACTCCATATGTGGAAGAGACTGC[AC>A]GACAGCCAGTTATGTGAGTGTGGTTTTTGGATATTTTGAAGTGGGAATTATTAAGGGTGG-3'